The following is an entry in ClinVar:

NM_170601.5(SIAE):c.1124+3A>G

Gene: SIAE (sialic acid acetylesterase; minus strand). Cytogenetic location: 11q24.2.
Variant type: single nucleotide variant.
Coding change: c.1124+3A>G on transcript NM_170601.5 (MANE Select); 3 bases into the intron after coding-DNA position 1124, A replaced by G.
Molecular consequence: intron variant.
Genome position (GRCh38, 1-based): chr11:124,639,707, T>C on the plus strand (A>G on the coding strand, the complement: SIAE is on the minus strand). VCF-style: chr11-124639707-T-C. GRCh37 (hg19) VCF-style: chr11-124509603-T-C.
Other names: c.1019+3A>G (NM_001199922.2).
Identifiers: ClinVar variation 4770082 (VCV004770082.1).
Genomic context (GRCh38, chr11:124,639,707, plus strand): 5'-CATCAGAGTGAAAGACTACAAAGAACATACACTGTTCATGCAAAGCCCAAGAAGCAATCA[T>C]ACCTGCCAAAAGGCGAGTCTCTATCACAGAGATCCATAGCTACAGCCATGAAAGTATTGG-3'

ClinVar aggregate classification (germline): Uncertain significance (1 of 4 stars; one submission).

gnomAD v4.1: 3 of 1,614,004 alleles (0.00019%); highest among the groups gnomAD compares: Non-Finnish European, 0.00025%; no homozygotes.

Submission:

Labcorp Genetics (formerly Invitae), Labcorp
Classification: Uncertain significance. Last evaluated: 2026-01-09. Review status: criteria provided, single submitter. Criteria: Invitae Variant Classification Sherloc (09022015). Collection method: clinical testing. Allele origin: germline.
Comment: This sequence change falls in intron 8 of the SIAE gene. It does not directly change the encoded amino acid sequence of the SIAE protein. It affects a nucleotide within the consensus splice site. This variant is not present in population databases (gnomAD no frequency). This variant has not been reported in the literature in individuals affected with SIAE-related conditions. Variants that disrupt the consensus splice site are a relatively common cause of aberrant splicing (PMID: 17576681, 9536098). Algorithms developed to predict the effect of sequence changes on RNA splicing suggest that this variant may disrupt the consensus splice site. In summary, the available evidence is currently insufficient to determine the role of this variant in disease. Therefore, it has been classified as a Variant of Uncertain Significance.

Literature cited by the submitters: PubMed 17576681; PubMed 9536098.